The following is an entry in ClinVar:

ClinVar aggregate classification (germline): Likely benign. Review status: criteria provided, multiple submitters, no conflicts (2 of 4 stars). 2 submissions from 2 submitters: Likely benign (2). Last evaluated 2025-11-13.

Conditions:
Landau-Kleffner syndrome (FESD). Also called: EPILEPSY, FOCAL, WITH SPEECH DISORDER AND WITH OR WITHOUT MENTAL RETARDATION; APHASIA, ACQUIRED, WITH EPILEPSY. Identifiers: Orphanet 1945, Orphanet 725, Orphanet 98818, MedGen C0282512, MONDO:0009509, OMIM 245570.

Allele frequency attached by ClinVar (database versions not stated): gnomAD exomes 0.00003 and 0.00002; gnomAD 0.00004 and 0.00003; TOPMed 0.00003; ExAC 0.00002.
gnomAD v4.1: 36 of 1,614,026 alleles (0.0022%); highest among the groups gnomAD compares: Admixed American, 0.0033%; no homozygotes.

Submissions (2):

Labcorp Genetics (formerly Invitae), Labcorp
Classification: Likely benign for Landau-Kleffner syndrome. Last evaluated: 2025-11-13. Review status: criteria provided, single submitter. Criteria: Invitae Variant Classification Sherloc (09022015). Collection method: clinical testing. Allele origin: germline.

Illumina Laboratory Services, Illumina
Classification: Likely benign for Landau-Kleffner syndrome. Last evaluated: 2018-01-13. Review status: criteria provided, single submitter. Criteria: ICSL Variant Classification Criteria 13 December 2019. Collection method: clinical testing. Allele origin: germline.
Comment: This variant was observed in the ICSL laboratory as part of a predisposition screen in an ostensibly healthy population. It had not been previously curated by ICSL or reported in the Human Gene Mutation Database (HGMD: prior to June 1st, 2018), and was therefore a candidate for classification through an automated scoring system. Utilizing variant allele frequency, disease prevalence and penetrance estimates, and inheritance mode, an automated score was calculated to assess if this variant is too frequent to cause the disease. Based on the score and internal cut-off values, a variant classified as likely benign is not then subjected to further curation. The score for this variant resulted in a classification of likely benign for this disease.

NM_001134407.3(GRIN2A):c.3138A>G (p.Leu1046=)

Gene: GRIN2A (glutamate ionotropic receptor NMDA type subunit 2A; minus strand). Cytogenetic location: 16p13.2.
Variant type: single nucleotide variant.
Coding change: c.3138A>G on transcript NM_001134407.3 (MANE Select); coding-DNA position 3138, A replaced by G.
Protein change: p.Leu1046=; no amino-acid change (leucine 1046 retained).
Molecular consequence: synonymous variant.
Genome position (GRCh38, 1-based): chr16:9,764,406, T>C on the plus strand (A>G on the coding strand, the complement: GRIN2A is on the minus strand). VCF-style: chr16-9764406-T-C. GRCh37 (hg19) VCF-style: chr16-9858263-T-C.
Other names: c.3138A>G, p.Leu1046= (NM_000833.5, NM_001134408.2).
Identifiers: ClinVar variation 321606 (VCV000321606.13), dbSNP rs773244936, ClinGen allele CA7896363.